The following is an entry in ClinVar:

NM_007118.4(TRIO):c.4012C>T (p.Leu1338Phe)

Gene: TRIO (trio Rho guanine nucleotide exchange factor; plus strand). Cytogenetic location: 5p15.2.
Variant type: single nucleotide variant.
Coding change: c.4012C>T on transcript NM_007118.4 (MANE Select); coding-DNA position 4012, C replaced by T.
Protein change: p.Leu1338Phe; replaces leucine 1338 with phenylalanine.
Molecular consequence: missense variant. On other transcripts: non-coding transcript variant (1).
Genome position (GRCh38, 1-based): chr5:14,389,352, C>T. VCF-style: chr5-14389352-C-T. GRCh37 (hg19) VCF-style: chr5-14389461-C-T.
Other names: short protein forms L1338F.
Identifiers: ClinVar variation 4082702 (VCV004082702.1).

ClinVar aggregate classification (germline): Uncertain significance (1 of 4 stars; one submission).

gnomAD v4.1: 2 of 1,612,198 alleles (0.00012%); highest among the groups gnomAD compares: African/African-American, 0.0013%; no homozygotes.

Submission:

GeneDx
Classification: Uncertain significance. Last evaluated: 2025-03-04. Review status: criteria provided, single submitter. Criteria: GeneDx Variant Classification Process June 2021. Collection method: clinical testing. Allele origin: germline. Affected: yes.
Comment: Not observed at significant frequency in large population cohorts (gnomAD); In silico analysis indicates that this missense variant does not alter protein structure/function; Has not been previously published as pathogenic or benign to our knowledge